The following is an entry in ClinVar:

NM_005751.5(AKAP9):c.9416A>G (p.Glu3139Gly)

Gene: AKAP9 (A-kinase anchoring protein 9; plus strand). Cytogenetic location: 7q21.2.
Variant type: single nucleotide variant.
Coding change: c.9416A>G on transcript NM_005751.5 (MANE Select); coding-DNA position 9416, A replaced by G.
Protein change: p.Glu3139Gly; replaces glutamic acid 3139 with glycine.
Molecular consequence: missense variant.
Genome position (GRCh38, 1-based): chr7:92,093,154, A>G. VCF-style: chr7-92093154-A-G. GRCh37 (hg19) VCF-style: chr7-91722468-A-G.
Other names: c.4061A>G, p.Glu1354Gly (NM_001379277.1); c.9392A>G, p.Glu3131Gly (NM_147185.3); short protein forms E3131G, E1354G, E3139G.
Identifiers: ClinVar variation 2449743 (VCV002449743.2), dbSNP rs2535288532, ClinGen allele CA368146772.

ClinVar aggregate classification (germline): Uncertain significance (1 of 4 stars; one submission).

Conditions:
Cardiovascular phenotype. Identifiers: MedGen CN230736.

Submission:

Ambry Genetics
Classification: Uncertain significance for Cardiovascular phenotype. Last evaluated: 2022-11-27. Review status: criteria provided, single submitter. Criteria: Ambry Variant Classification Scheme 2023. Collection method: clinical testing. Allele origin: germline.
Comment: The p.E3139G variant (also known as c.9416A>G), located in coding exon 39 of the AKAP9 gene, results from an A to G substitution at nucleotide position 9416. The glutamic acid at codon 3139 is replaced by glycine, an amino acid with similar properties. This amino acid position is conserved. In addition, this alteration is predicted to be tolerated by in silico analysis. Since supporting evidence is limited at this time, the clinical significance of this alteration remains unclear.